The following is an entry in ClinVar:

NM_002693.3(POLG):c.3101G>A (p.Arg1034Lys)

Gene: POLG (DNA polymerase gamma, catalytic subunit; minus strand). Cytogenetic location: 15q26.1.
Variant type: single nucleotide variant.
Coding change: c.3101G>A on transcript NM_002693.3 (MANE Select); coding-DNA position 3101, G replaced by A.
Protein change: p.Arg1034Lys; replaces arginine 1034 with lysine.
Molecular consequence: missense variant.
Genome position (GRCh38, 1-based): chr15:89,319,231, C>T on the plus strand (G>A on the coding strand, the complement: POLG is on the minus strand). VCF-style: chr15-89319231-C-T. GRCh37 (hg19) VCF-style: chr15-89862462-C-T.
Other names: c.3101G>A, p.Arg1034Lys (NM_001126131.2); short protein forms R1034K.
Identifiers: ClinVar variation 429545 (VCV000429545.36), dbSNP rs201014720, ClinGen allele CA7724258.

ClinVar aggregate classification (germline): Uncertain significance. Review status: criteria provided, multiple submitters, no conflicts (2 of 4 stars). 6 submissions from 6 submitters: Uncertain significance (5). 1 of the submissions does not count toward it. Last evaluated 2025-01-30.

Conditions:
Progressive sclerosing poliodystrophy (MTDPS4A). Also called: ALPERS PROGRESSIVE INFANTILE POLIODYSTROPHY; Mitochondrial DNA depletion syndrome 4A (Alpers type); Alpers Syndrome; NEURONAL DEGENERATION OF CHILDHOOD WITH LIVER DISEASE, PROGRESSIVE; ALPERS DIFFUSE DEGENERATION OF CEREBRAL GRAY MATTER WITH HEPATIC CIRRHOSIS; Alpers-Huttenlocher Syndrome. Identifiers: Orphanet 726, MedGen C0205710, MONDO:0008758, OMIM 203700.
POLG-related disorder. Also called: POLG-related condition; POLG-Related Disorders; POLG-Related Spectrum Disorders. Identifiers: MedGen C4763519.
Inborn genetic diseases. Identifiers: MedGen C0950123, MeSH D030342.

Allele frequency attached by ClinVar (database versions not stated): gnomAD exomes below 0.00001 and 0.00001; gnomAD 0.00001; ExAC 0.00002; TOPMed 0.00002; 1000 Genomes Project 30x 0.00016; 1000 Genomes Project 0.00020.
gnomAD v4.1: 3 of 1,614,184 alleles (0.00019%); highest among the groups gnomAD compares: Admixed American, 0.005%; no homozygotes.

Submissions (6):

Labcorp Genetics (formerly Invitae), Labcorp
Classification: Uncertain significance for Progressive sclerosing poliodystrophy. Last evaluated: 2025-01-30. Review status: criteria provided, single submitter. Criteria: Invitae Variant Classification Sherloc (09022015). Collection method: clinical testing. Allele origin: germline.
Comment: This sequence change replaces arginine, which is basic and polar, with lysine, which is basic and polar, at codon 1034 of the POLG protein (p.Arg1034Lys). This variant is present in population databases (rs201014720, gnomAD 0.006%). This variant has not been reported in the literature in individuals affected with POLG-related conditions. ClinVar contains an entry for this variant (Variation ID: 429545). Invitae Evidence Modeling of protein sequence and biophysical properties (such as structural, functional, and spatial information, amino acid conservation, physicochemical variation, residue mobility, and thermodynamic stability) indicates that this missense variant is not expected to disrupt POLG protein function with a negative predictive value of 95%. In summary, the available evidence is currently insufficient to determine the role of this variant in disease. Therefore, it has been classified as a Variant of Uncertain Significance.

GeneDx
Classification: Uncertain significance. Last evaluated: 2024-02-22. Review status: criteria provided, single submitter. Criteria: GeneDx Variant Classification Process June 2021. Collection method: clinical testing. Allele origin: germline. Affected: yes.
Comment: Not observed at significant frequency in large population cohorts (gnomAD); In silico analysis supports that this missense variant does not alter protein structure/function; Has not been previously published as pathogenic or benign to our knowledge

CeGaT Center for Human Genetics Tuebingen
Classification: Uncertain significance. Last evaluated: 2023-09-01. Review status: criteria provided, single submitter. Criteria: CeGaT Center For Human Genetics Tuebingen Variant Classification Criteria Version 2. Collection method: clinical testing. Allele origin: germline. Affected: yes. Observed: 1 variant allele.
Comment: POLG: PM2

Ambry Genetics
Classification: Uncertain significance for Inborn genetic diseases. Last evaluated: 2019-11-28. Review status: criteria provided, single submitter. Criteria: Ambry Variant Classification Scheme 2023. Collection method: clinical testing. Allele origin: germline.
Comment: The p.R1034K variant (also known as c.3101G>A), located in coding exon 18 of the POLG gene, results from a G to A substitution at nucleotide position 3101. The arginine at codon 1034 is replaced by lysine, an amino acid with highly similar properties. This amino acid position is not well conserved in available vertebrate species. In addition, this alteration is predicted to be tolerated by in silico analysis. Since supporting evidence is limited at this time, the clinical significance of this alteration remains unclear.

Wong Mito Lab, Molecular and Human Genetics, Baylor College of Medicine
Classification: Uncertain significance for Progressive sclerosing poliodystrophy. Last evaluated: 2018-10-01. Review status: criteria provided, single submitter. Criteria: ACMG Guidelines, 2015. Collection method: clinical testing. Allele origin: germline.
Comment: The NM_002693.2:c.3101G>A (NP_002684.1:p.Arg1034Lys) [GRCH38: NC_000015.10:g.89319231C>T] variant in POLG gene is interpretated to be a Uncertain Significance based on ACMG guidelines (PMID: 25741868). This variant meets the following evidence codes reported in the ACMG-guideline. PM2:This variant is absent in key population databases. BP4:Computational evidence/predictors indicate no impact on the POLG structure, function, or protein-protein interaction. Based on the evidence criteria codes applied, the variant is suggested to be Uncertain Significance.

PreventionGenetics, part of Exact Sciences
Classification: Uncertain significance for POLG-related condition. Last evaluated: 2024-03-27. Review status: no assertion criteria provided. Collection method: clinical testing. Allele origin: germline. Not counted in ClinVar's aggregate classification.
Comment: The POLG c.3101G>A variant is predicted to result in the amino acid substitution p.Arg1034Lys. To our knowledge, this variant has not been reported in the literature. This variant is reported in 0.0085% of alleles in individuals of Latino descent in gnomAD. At this time, the clinical significance of this variant is uncertain due to the absence of conclusive functional and genetic evidence.